The following is an entry in ClinVar:

ClinVar aggregate classification (germline): Likely benign. Review status: criteria provided, multiple submitters, no conflicts (2 of 4 stars). 2 submissions from 2 submitters: Likely benign (2). Last evaluated 2025-11-26.

Conditions:
CTBP2-related disorder. Also called: CTBP2-related condition.

Allele frequency attached by ClinVar (database versions not stated): gnomAD exomes 0.00011 and 0.00033; ExAC 0.00044; 1000 Genomes Project 0.00080; gnomAD 0.00106 and 0.00119; 1000 Genomes Project 30x 0.00109; TOPMed 0.00116; ESP Exome Variant Server 0.00161.

Submissions (2):

PreventionGenetics, part of Exact Sciences
Classification: Likely benign for CTBP2-related condition. Last evaluated: 2025-11-26. Review status: criteria provided, single submitter. Criteria: ACMG Guidelines, 2015. Collection method: clinical testing. Allele origin: germline.
Comment: This variant is classified as likely benign based on ACMG/AMP sequence variant interpretation guidelines (Richards et al. 2015 PMID: 25741868, with internal and published modifications).

Labcorp Genetics (formerly Invitae), Labcorp
Classification: Likely benign. Last evaluated: 2018-12-26. Review status: criteria provided, single submitter. Criteria: Invitae Variant Classification Sherloc (09022015). Collection method: clinical testing. Allele origin: germline.

NM_001329.4(CTBP2):c.58+11697C>T

Gene: CTBP2 (C-terminal binding protein 2; minus strand). Cytogenetic location: 10q26.13.
Variant type: single nucleotide variant.
Coding change: c.58+11697C>T on transcript NM_001329.4 (MANE Select); 11697 bases into the intron after coding-DNA position 58, C replaced by T.
Molecular consequence: intron variant. On other transcripts: missense variant (1).
Genome position (GRCh38, 1-based): chr10:125,027,300, G>A on the plus strand (C>T on the coding strand, the complement: CTBP2 is on the minus strand). VCF-style: chr10-125027300-G-A. GRCh37 (hg19) VCF-style: chr10-126715869-G-A.
Other names: c.460C>T, p.Arg154Trp (NM_022802.3); c.58+11697C>T (NM_001083914.3, NM_001290214.3, NM_001321012.2 and 3 more transcripts); short protein forms R154W.
Identifiers: ClinVar variation 742465 (VCV000742465.4), dbSNP rs139984863, ClinGen allele CA5736538.
Genomic context (GRCh38, chr10:125,027,300, plus strand): 5'-GGATCATTTTACCTCCAGGATCCCGGTACAGGTGACCGGCGTCCTGCAGGGCAGGTGACC[G>A]GCCTTGCATTGGATCCCATGACGTTCTGCTGCCAAGCACTCCGTAGCTGGGGACCGGCCG-3'